The following is an entry in ClinVar:

ClinVar aggregate classification (germline): Benign. Review status: criteria provided, multiple submitters, no conflicts (2 of 4 stars). 3 submissions from 3 submitters: Benign (2). 1 of the submissions does not count toward it. Last evaluated 2015-03-03.

Allele frequency attached by ClinVar (database versions not stated): TOPMed 0.22227; ESP Exome Variant Server 0.23282; 1000 Genomes Project 30x 0.21034; 1000 Genomes Project 0.21206; gnomAD exomes 0.21365 and 0.22203; ExAC 0.21914; gnomAD 0.22114.
gnomAD v4.1: 357,872 of 1,609,070 alleles (22%); highest among the groups gnomAD compares: South Asian, 25%; 40,807 homozygotes.

Submissions (3):

GeneDx
Classification: Benign. Last evaluated: 2015-03-03. Review status: criteria provided, single submitter. Criteria: GeneDx Variant Classification Process June 2021. Collection method: clinical testing. Allele origin: germline. Affected: yes.

PreventionGenetics, part of Exact Sciences
Classification: Benign. Review status: criteria provided, single submitter. Criteria: ACMG Guidelines, 2015. Collection method: clinical testing. Allele origin: germline.

Leiden Open Variation Database
Classification: Likely benign. Last evaluated: 2021-05-27. Review status: no assertion criteria provided. Collection method: curation. Allele origin: germline. Affected: yes. Not counted in ClinVar's aggregate classification.
Comment: Curator: Global Variome, with Curator vacancy. Submitter to LOVD: Julia Lopez.

Literature cited by the submitters: PubMed 16885924 (cited by Leiden Open Variation Database).

NM_000322.5(PRPH2):c.829-48C>T

Gene: PRPH2 (peripherin 2; minus strand). Cytogenetic location: 6p21.1.
Variant type: single nucleotide variant.
Coding change: c.829-48C>T on transcript NM_000322.5 (MANE Select); 48 bases into the intron before coding-DNA position 829, C replaced by T.
Molecular consequence: intron variant.
Genome position (GRCh38, 1-based): chr6:42,698,555, G>A on the plus strand (C>T on the coding strand, the complement: PRPH2 is on the minus strand). VCF-style: chr6-42698555-G-A. GRCh37 (hg19) VCF-style: chr6-42666293-G-A.
Identifiers: ClinVar variation 255827 (VCV000255827.5), dbSNP rs41273820, ClinGen allele CA3808514.